The following is an entry in ClinVar:

ClinVar aggregate classification (germline): Conflicting classifications of pathogenicity. Review status: criteria provided, conflicting classifications (1 of 4 stars). 6 submissions from 6 submitters: Uncertain significance (1); Likely benign (4). 1 of the submissions does not count toward it. Last evaluated 2026-06-01.

Conditions:
Glycine encephalopathy. Also called: Non-ketotic hyperglycinemia; Nonketotic hyperglycinemia. Identifiers: Orphanet 407, MedGen C0751748, MONDO:0011612, HP:0008288.

Allele frequency attached by ClinVar (database versions not stated): 1000 Genomes Project 30x 0.00031; ExAC 0.00031; 1000 Genomes Project 0.00040; TOPMed 0.00040; gnomAD 0.00048 and 0.00049; ESP Exome Variant Server 0.00092.
gnomAD v4.1: 928 of 1,611,508 alleles (0.058%); highest among the groups gnomAD compares: Non-Finnish European, 0.071%; 1 homozygote.

Submissions (6):

CeGaT Center for Human Genetics Tuebingen
Classification: Likely benign. Last evaluated: 2026-06-01. Review status: criteria provided, single submitter. Criteria: CeGaT Center For Human Genetics Tuebingen Variant Classification Criteria Version 2. Collection method: clinical testing. Allele origin: germline. Affected: yes. Observed: 2 variant alleles.
Comment: GLDC: BP4, BP7

Labcorp Genetics (formerly Invitae), Labcorp
Classification: Likely benign for Glycine encephalopathy. Last evaluated: 2025-12-21. Review status: criteria provided, single submitter. Criteria: Invitae Variant Classification Sherloc (09022015). Collection method: clinical testing. Allele origin: germline.

Blueprint Genetics
Classification: Likely benign. Last evaluated: 2024-11-04. Review status: criteria provided, single submitter. Criteria: ACMG Guidelines, 2015. Collection method: clinical testing. Allele origin: germline.

GeneDx
Classification: Likely benign. Last evaluated: 2019-12-13. Review status: criteria provided, single submitter. Criteria: GeneDx Variant Classification Process June 2021. Collection method: clinical testing. Allele origin: germline. Affected: yes.

Illumina Laboratory Services, Illumina
Classification: Uncertain significance for Glycine encephalopathy 1. Last evaluated: 2018-01-13. Review status: criteria provided, single submitter. Criteria: ICSL Variant Classification Criteria 13 December 2019. Collection method: clinical testing. Allele origin: germline.

Natera, Inc.
Classification: Likely benign for Non-ketotic hyperglycinemia. Last evaluated: 2020-09-16. Review status: no assertion criteria provided. Collection method: clinical testing. Allele origin: germline. Not counted in ClinVar's aggregate classification.

NM_000170.3(GLDC):c.2328C>T (p.Leu776=)

Gene: GLDC (glycine decarboxylase; minus strand). Cytogenetic location: 9p24.1.
Variant type: single nucleotide variant.
Coding change: c.2328C>T on transcript NM_000170.3 (MANE Select); coding-DNA position 2328, C replaced by T.
Protein change: p.Leu776=; no amino-acid change (leucine 776 retained).
Molecular consequence: synonymous variant.
Genome position (GRCh38, 1-based): chr9:6,553,497, G>A on the plus strand (C>T on the coding strand, the complement: GLDC is on the minus strand). VCF-style: chr9-6553497-G-A. GRCh37 (hg19) VCF-style: chr9-6553497-G-A.
Identifiers: ClinVar variation 706140 (VCV000706140.32), dbSNP rs149600380, ClinGen allele CA4980260.
Genomic context (GRCh38, chr9:6,553,497, plus strand): 5'-AGGACAGGCATCCTCATTCCGCTTTAGTGAAATGACGGGATGATTGGGCAAAAACGGGGC[G>A]AGATGTTTCTTCCTGTATTTTTTTTAAGTGCAAATTCAGAAAATGTAAACGATTCAGTTT-3'
Protein context (NP_000161.2, residues 766-786): GMGPIGVKKH[Leu776=]APFLPNHPVI